The following is an entry in ClinVar:

ClinVar aggregate classification (germline): Uncertain significance (1 of 4 stars; one submission).

Conditions:
Hyperammonemia, type III (NAGSD). Also called: Hyperammonemia due to N-acetylglutamate synthase deficiency. Identifiers: Orphanet 927, MedGen C0268543, MONDO:0009377, OMIM 237310.

Allele frequency attached by ClinVar (database versions not stated): gnomAD exomes below 0.00001; TOPMed below 0.00001; ExAC 0.00001; gnomAD 0.00001.
gnomAD v4.1: 3 of 1,530,354 alleles (0.0002%); highest among the groups gnomAD compares: South Asian, 0.0013%; no homozygotes.

Submission:

Labcorp Genetics (formerly Invitae), Labcorp
Classification: Uncertain significance for Hyperammonemia, type III. Last evaluated: 2023-12-09. Review status: criteria provided, single submitter. Criteria: Invitae Variant Classification Sherloc (09022015). Collection method: clinical testing. Allele origin: germline.
Comment: This sequence change replaces arginine, which is basic and polar, with glutamine, which is neutral and polar, at codon 11 of the NAGS protein (p.Arg11Gln). The frequency data for this variant in the population databases is considered unreliable, as metrics indicate poor data quality at this position in the gnomAD database. This variant has not been reported in the literature in individuals affected with NAGS-related conditions. Experimental studies and prediction algorithms are not available or were not evaluated, and the functional significance of this variant is currently unknown. In summary, the available evidence is currently insufficient to determine the role of this variant in disease. Therefore, it has been classified as a Variant of Uncertain Significance.

NM_153006.3(NAGS):c.32G>A (p.Arg11Gln)

Gene: NAGS (N-acetylglutamate synthase; plus strand). Cytogenetic location: 17q21.31.
Variant type: single nucleotide variant.
Coding change: c.32G>A on transcript NM_153006.3 (MANE Select); coding-DNA position 32, G replaced by A.
Protein change: p.Arg11Gln; replaces arginine 11 with glutamine.
Molecular consequence: missense variant.
Genome position (GRCh38, 1-based): chr17:44,004,695, G>A. VCF-style: chr17-44004695-G-A. GRCh37 (hg19) VCF-style: chr17-42082063-G-A.
Other names: short protein forms R11Q.
Identifiers: ClinVar variation 2879221 (VCV002879221.3), dbSNP rs766125863, ClinGen allele CA8595080.